The following is an entry in ClinVar:

NM_004336.5(BUB1):c.1594G>T (p.Asp532Tyr)

Gene: BUB1 (BUB1 mitotic checkpoint serine/threonine kinase; minus strand). Cytogenetic location: 2q13.
Variant type: single nucleotide variant.
Coding change: c.1594G>T on transcript NM_004336.5 (MANE Select); coding-DNA position 1594, G replaced by T.
Protein change: p.Asp532Tyr; replaces aspartic acid 532 with tyrosine.
Molecular consequence: missense variant.
Genome position (GRCh38, 1-based): chr2:110,657,568, C>A on the plus strand (G>T on the coding strand, the complement: BUB1 is on the minus strand). VCF-style: chr2-110657568-C-A. GRCh37 (hg19) VCF-style: chr2-111415145-C-A.
Other names: c.1534G>T, p.Asp512Tyr (NM_001278616.2); c.1594G>T, p.Asp532Tyr (NM_001278617.2); short protein forms D532Y, D512Y.
Identifiers: ClinVar variation 2565792 (VCV002565792.2), dbSNP rs1311283935, ClinGen allele CA348211806.

ClinVar aggregate classification (germline): Uncertain significance (1 of 4 stars; one submission).

Allele frequency attached by ClinVar (database versions not stated): gnomAD 0.00001; TOPMed 0.00001.
gnomAD v4.1: 1 of 1,606,838 alleles (0.000062%); highest among the groups gnomAD compares: Admixed American, 0.0017%; no homozygotes.

Submission:

Ambry Genetics
Classification: Uncertain significance. Last evaluated: 2023-04-18. Review status: criteria provided, single submitter. Criteria: Ambry Variant Classification Scheme 2023. Collection method: clinical testing. Allele origin: germline.
Comment: The p.D532Y variant (also known as c.1594G>T), located in coding exon 14 of the BUB1 gene, results from a G to T substitution at nucleotide position 1594. The aspartic acid at codon 532 is replaced by tyrosine, an amino acid with highly dissimilar properties. This amino acid position is conserved. In addition, this alteration is predicted to be deleterious by in silico analysis. Since supporting evidence is limited at this time, the clinical significance of this alteration remains unclear.